The following is an entry in ClinVar:

NM_007194.4(CHEK2):c.197T>C (p.Val66Ala)

Gene: CHEK2 (checkpoint kinase 2; minus strand). Cytogenetic location: 22q12.1.
Variant type: single nucleotide variant.
Coding change: c.197T>C on transcript NM_007194.4 (MANE Select); coding-DNA position 197, T replaced by C.
Protein change: p.Val66Ala; replaces valine 66 with alanine.
Molecular consequence: missense variant.
Genome position (GRCh38, 1-based): chr22:28,734,525, A>G on the plus strand (T>C on the coding strand, the complement: CHEK2 is on the minus strand). VCF-style: chr22-28734525-A-G. GRCh37 (hg19) VCF-style: chr22-29130513-A-G.
Other names: c.197T>C, p.Val66Ala (NM_001005735.3, NM_001349956.3, NM_145862.3); c.-581T>C (NM_001257387.3); short protein forms V66A.
Identifiers: ClinVar variation 839254 (VCV000839254.13), dbSNP rs2054320721, ClinGen allele CA411090813.

ClinVar aggregate classification (germline): Uncertain significance. Review status: criteria provided, multiple submitters, no conflicts (2 of 4 stars). 2 submissions from 2 submitters: Uncertain significance (2). Last evaluated 2026-01-31.

Conditions:
Hereditary cancer-predisposing syndrome. Also called: Neoplastic Syndromes, Hereditary; Tumor predisposition; Hereditary neoplastic syndrome; Hereditary Cancer Syndrome. Identifiers: Orphanet 140162, MedGen C0027672, MeSH D009386, MONDO:0015356.
Familial cancer of breast. Also called: Hereditary breast cancer; hereditary breast carcinoma; BREAST CANCER, FAMILIAL. Identifiers: Orphanet 227535, MedGen C0346153, MONDO:0016419, OMIM 114480. Disease mechanism: loss of function.

Submissions (2):

Labcorp Genetics (formerly Invitae), Labcorp
Classification: Uncertain significance for Familial cancer of breast. Last evaluated: 2026-01-31. Review status: criteria provided, single submitter. Criteria: Invitae Variant Classification Sherloc (09022015). Collection method: clinical testing. Allele origin: germline.
Comment: This sequence change replaces valine, which is neutral and non-polar, with alanine, which is neutral and non-polar, at codon 66 of the CHEK2 protein (p.Val66Ala). This variant is not present in population databases (gnomAD no frequency). This variant has not been reported in the literature in individuals affected with CHEK2-related conditions. ClinVar contains an entry for this variant (Variation ID: 839254). An algorithm developed to predict the effect of missense changes on protein structure and function (PolyPhen-2) suggests that this variant is likely to be disruptive. In summary, the available evidence is currently insufficient to determine the role of this variant in disease. Therefore, it has been classified as a Variant of Uncertain Significance.

Ambry Genetics
Classification: Uncertain significance for Hereditary cancer-predisposing syndrome. Last evaluated: 2024-03-20. Review status: criteria provided, single submitter. Criteria: Ambry Variant Classification Scheme 2023. Collection method: clinical testing. Allele origin: germline.
Comment: The p.V66A variant (also known as c.197T>C), located in coding exon 1 of the CHEK2 gene, results from a T to C substitution at nucleotide position 197. The valine at codon 66 is replaced by alanine, an amino acid with similar properties. This amino acid position is conserved. In addition, the in silico prediction for this alteration is inconclusive. Based on the available evidence, the clinical significance of this alteration remains unclear.